The following is an entry in ClinVar:

NM_003124.5(SPR):c.643G>A (p.Asp215Asn)

Gene: SPR (sepiapterin reductase; plus strand). Cytogenetic location: 2p13.2.
Variant type: single nucleotide variant.
Coding change: c.643G>A on transcript NM_003124.5 (MANE Select); coding-DNA position 643, G replaced by A.
Protein change: p.Asp215Asn; replaces aspartic acid 215 with asparagine.
Molecular consequence: missense variant.
Genome position (GRCh38, 1-based): chr2:72,891,394, G>A. VCF-style: chr2-72891394-G-A. GRCh37 (hg19) VCF-style: chr2-73118523-G-A.
Other names: short protein forms D215N.
Identifiers: ClinVar variation 663845 (VCV000663845.6), dbSNP rs766691618, ClinGen allele CA347232452.
Genomic context (GRCh38, chr2:72,891,394, plus strand): 5'-TTTCATCCTCTAGGTCCTCTGGACACAGACATGCAGCAGTTGGCCCGGGAGACCTCCGTG[G>A]ACCCAGACATGCGAAAAGGGCTGCAGGAGCTGAAGGCAAAGGGGAAGCTGGTGGATTGCA-3'
Protein context (NP_003115.1, residues 205-225): MQQLARETSV[Asp215Asn]PDMRKGLQEL

ClinVar aggregate classification (germline): Uncertain significance (1 of 4 stars; one submission).

Conditions:
Dystonic disorder. Also called: Dystonia. Identifiers: MedGen C0013421, MONDO:0003441, HP:0001332.

Submission:

Labcorp Genetics (formerly Invitae), Labcorp
Classification: Uncertain significance for Dystonic disorder. Last evaluated: 2018-07-02. Review status: criteria provided, single submitter. Criteria: Invitae Variant Classification Sherloc (09022015). Collection method: clinical testing. Allele origin: germline.
Comment: In summary, the available evidence is currently insufficient to determine the role of this variant in disease. Therefore, it has been classified as a Variant of Uncertain Significance. Algorithms developed to predict the effect of missense changes on protein structure and function are either unavailable or do not agree on the potential impact of this missense change (SIFT: "Deleterious"; PolyPhen-2: "Benign"; Align-GVGD: "Class C0"). This variant has not been reported in the literature in individuals with SPR-related disease. This variant is not present in population databases (ExAC no frequency). This sequence change replaces aspartic acid with asparagine at codon 215 of the SPR protein (p.Asp215Asn). The aspartic acid residue is highly conserved and there is a small physicochemical difference between aspartic acid and asparagine.